The following is an entry in ClinVar:

NM_001136472.2(LITAF):c.378-17TC[6]

Gene: LITAF (lipopolysaccharide induced TNF factor; minus strand). Cytogenetic location: 16p13.13.
Variant type: Microsatellite.
Coding change: c.378-17TC[6] on transcript NM_001136472.2 (MANE Select); six copies in a row of the 2-base unit TC starting at c.378-17; the reference has five copies in a row; one copy, 2 bases duplicated.
Molecular consequence: intron variant.
Genome position (GRCh38, 1-based): chr16:11,549,753-11,549,754, GA duplicated on the plus strand (TC on the coding strand, the reverse complement: LITAF is on the minus strand); duplicating any 2 consecutive bases within chr16:11,549,753-11,549,762 gives the same sequence; the position shown is the placement nearest the transcript's 3' end. VCF-style (leftmost placement, unchanged base first): chr16-11549752-G-GGA. GRCh37 (hg19) VCF-style: chr16-11643608-G-GGA.
Other names: c.*17-17TC[6] (NM_001136473.1); c.378-17TC[6] (NM_004862.4).
Identifiers: ClinVar variation 3057520 (VCV003057520.2), dbSNP rs769574395, ClinGen allele CA7904032.
Genomic context (GRCh38, chr16:11,549,752, plus strand): 5'-ACGTCCTGCAGGGCATCCACGCAGAAGGGGATGAAGCAGCAGCCCGCTATGCACCTGGGA[G>GGA]GAGAGAGAGACACACGGAGCGCGTTACTGATCACAACAGGGTGAACACTGGCTGCCAAAA-3'

ClinVar aggregate classification (germline): Likely benign (0 of 4 stars; one submission).

Conditions:
LITAF-related disorder. Also called: LITAF-related condition.

Submission:

PreventionGenetics, part of Exact Sciences
Classification: Likely benign for LITAF-related condition. Last evaluated: 2023-04-20. Review status: no assertion criteria provided. Collection method: clinical testing. Allele origin: germline.
Comment: This variant is classified as likely benign based on ACMG/AMP sequence variant interpretation guidelines (Richards et al. 2015 PMID: 25741868, with internal and published modifications).